The following is an entry in ClinVar:

ClinVar aggregate classification (germline): Pathogenic (1 of 4 stars; one submission).

Conditions:
Sandhoff disease. Also called: GM2-GANGLIOSIDOSIS, TYPE II; HEXOSAMINIDASES A AND B DEFICIENCY; Beta-hexosaminidase-beta-subunit deficiency; GM2 gangliosidosis, type 2; Total hexosaminidase deficiency; Sandhoff-Jatzkewitz-Pilz disease. Identifiers: Orphanet 796, MedGen C0036161, MONDO:0010006, OMIM 268800.

Submission:

Labcorp Genetics (formerly Invitae), Labcorp
Classification: Pathogenic for Sandhoff disease. Last evaluated: 2020-01-13. Review status: criteria provided, single submitter. Criteria: Invitae Variant Classification Sherloc (09022015). Collection method: clinical testing. Allele origin: germline.
Comment: For these reasons, this variant has been classified as Pathogenic. Loss-of-function variants in HEXB are known to be pathogenic (PMID: 7550345, 18758829). This variant has not been reported in the literature in individuals with HEXB-related conditions. This variant is not present in population databases (ExAC no frequency). This sequence change creates a premature translational stop signal (p.Arg435Hisfs*19) in the HEXB gene. It is expected to result in an absent or disrupted protein product.

Literature cited by the submitters: PubMed 7550345; PubMed 18758829.

NM_000521.4(HEXB):c.1299_1303del (p.Arg435fs)

Gene: HEXB (hexosaminidase subunit beta; plus strand). Cytogenetic location: 5q13.3.
Variant type: Deletion.
Coding change: c.1299_1303del on transcript NM_000521.4 (MANE Select); coding-DNA positions 1299 to 1303, 5 bases deleted (CAGTA; older notation c.1299_1303delCAGTA).
Protein change: p.Arg435fs; shifts the reading frame from arginine 435.
Molecular consequence: frameshift variant.
Genome position (GRCh38, 1-based): chr5:74,718,853-74,718,857, CAGTA deleted. VCF-style (leftmost placement, unchanged base first): chr5-74718852-TCAGTA-T. GRCh37 (hg19) VCF-style: chr5-74014677-TCAGTA-T.
Other names: c.624_628del, p.Arg210fs (NM_001292004.2); short protein forms R210fs, R435fs.
Identifiers: ClinVar variation 1073343 (VCV001073343.7), dbSNP rs2112180705, ClinGen allele CA2499217894.